The following is an entry in ClinVar:

ClinVar aggregate classification (germline): Likely benign. Review status: criteria provided, multiple submitters, no conflicts (2 of 4 stars). 2 submissions from 2 submitters: Likely benign (2). Last evaluated 2025-02-01.

Conditions:
Inborn genetic diseases. Identifiers: MedGen C0950123, MeSH D030342.

gnomAD v4.1: 32 of 1,609,830 alleles (0.002%); highest among the groups gnomAD compares: Admixed American, 0.0033%; no homozygotes.

Submissions (2):

CeGaT Center for Human Genetics Tuebingen
Classification: Likely benign. Last evaluated: 2025-02-01. Review status: criteria provided, single submitter. Criteria: CeGaT Center For Human Genetics Tuebingen Variant Classification Criteria Version 2. Collection method: clinical testing. Allele origin: germline. Affected: yes. Observed: 1 variant allele.
Comment: INTS1: BP4

Ambry Genetics
Classification: Likely benign for Inborn genetic diseases. Last evaluated: 2025-01-21. Review status: criteria provided, single submitter. Criteria: Ambry Variant Classification Scheme 2023. Collection method: clinical testing. Allele origin: germline.

NM_001080453.3(INTS1):c.964G>A (p.Ala322Thr)

Gene: INTS1 (integrator complex subunit 1; minus strand). Cytogenetic location: 7p22.3.
Variant type: single nucleotide variant.
Coding change: c.964G>A on transcript NM_001080453.3 (MANE Select); coding-DNA position 964, G replaced by A.
Protein change: p.Ala322Thr; replaces alanine 322 with threonine.
Molecular consequence: missense variant.
Genome position (GRCh38, 1-based): chr7:1,499,148, C>T on the plus strand (G>A on the coding strand, the complement: INTS1 is on the minus strand). VCF-style: chr7-1499148-C-T. GRCh37 (hg19) VCF-style: chr7-1538784-C-T.
Other names: c.964G>A (NM_001080453.2); short protein forms A322T.
Identifiers: ClinVar variation 3771262 (VCV003771262.14).
Genomic context (GRCh38, chr7:1,499,148, plus strand): 5'-GCTGGCGCCGGTTCAGCTGGTCCCGCAGCATGTCCAGGACATACTCCTCCACGCTCTCCG[C>T]GAGCTCTTCGTACCTAGGCCAGAGGAGGGAGCGAGGAGGGAGGAAGGTGGCCCCGAGGCG-3'
Protein context (NP_001073922.2, residues 312-332): GQLMPRYEEL[Ala322Thr]ESVEEYVLDM